The following is an entry in ClinVar:

ClinVar aggregate classification (germline): Likely benign. Review status: criteria provided, multiple submitters, no conflicts (2 of 4 stars). 3 submissions from 3 submitters: Likely benign (3). Last evaluated 2025-09-15.

Conditions:
Cardiovascular phenotype. Identifiers: MedGen CN230736.
Desmin-related myofibrillar myopathy (MFM1). Also called: Desminopathy; MYOFIBRILLAR MYOPATHY WITH ARRHYTHMOGENIC RIGHT VENTRICULAR CARDIOMYOPATHY; DESMIN-RELATED MYOPATHY WITH ARRHYTHMOGENIC RIGHT VENTRICULAR CARDIOMYOPATHY; Desmin related myopathy (former name); Desmin storage myopathy (former name); Myofibrillar myopathy 1. Identifiers: Orphanet 363543, Orphanet 98909, MedGen C1832370, MONDO:0011076, OMIM 601419.

Allele frequency attached by ClinVar (database versions not stated): TOPMed below 0.00001; gnomAD exomes 0.00001.
gnomAD v4.1: 15 of 1,613,988 alleles (0.00093%); highest among the groups gnomAD compares: Non-Finnish European, 0.0013%; no homozygotes.

Submissions (3):

Labcorp Genetics (formerly Invitae), Labcorp
Classification: Likely benign for Desmin-related myofibrillar myopathy. Last evaluated: 2025-09-15. Review status: criteria provided, single submitter. Criteria: Invitae Variant Classification Sherloc (09022015). Collection method: clinical testing. Allele origin: germline.

Molecular Diagnostic Laboratory for Inherited Cardiovascular Disease, Montreal Heart Institute
Classification: Likely benign. Last evaluated: 2025-04-09. Review status: criteria provided, single submitter. Criteria: ACMG Guidelines, 2015. Collection method: clinical testing. Allele origin: germline. Affected: no.
Comment: BP7

Ambry Genetics
Classification: Likely benign for Cardiovascular phenotype. Last evaluated: 2024-11-27. Review status: criteria provided, single submitter. Criteria: Ambry Variant Classification Scheme 2023. Collection method: clinical testing. Allele origin: germline.

NM_001927.4(DES):c.1191C>T (p.Ala397=)

Gene: DES (desmin; plus strand). Cytogenetic location: 2q35.
Variant type: single nucleotide variant.
Coding change: c.1191C>T on transcript NM_001927.4 (MANE Select); coding-DNA position 1191, C replaced by T.
Protein change: p.Ala397=; no amino-acid change (alanine 397 retained).
Molecular consequence: synonymous variant.
Genome position (GRCh38, 1-based): chr2:219,421,507, C>T. VCF-style: chr2-219421507-C-T. GRCh37 (hg19) VCF-style: chr2-220286229-C-T.
Other names: c.1191C>T (NM_001927.3); c.1188C>T, p.Ala396= (NM_001382708.1); c.759C>T, p.Ala253= (NM_001382709.1); c.1122C>T, p.Ala374= (NM_001382710.1); c.1170C>T, p.Ala390= (NM_001382711.1); c.1191C>T, p.Ala397= (NM_001382712.1); c.921C>T, p.Ala307= (NM_001382713.1).
Identifiers: ClinVar variation 1122729 (VCV001122729.11), dbSNP rs1157219537, ClinGen allele CA431284477.